The following is an entry in ClinVar:

NM_004415.4(DSP):c.1574A>G (p.Lys525Arg)

Gene: DSP (desmoplakin; plus strand). Cytogenetic location: 6p24.3.
Variant type: single nucleotide variant.
Coding change: c.1574A>G on transcript NM_004415.4 (MANE Select); coding-DNA position 1574, A replaced by G.
Protein change: p.Lys525Arg; replaces lysine 525 with arginine.
Molecular consequence: missense variant.
Genome position (GRCh38, 1-based): chr6:7,569,340, A>G. VCF-style: chr6-7569340-A-G. GRCh37 (hg19) VCF-style: chr6-7569573-A-G.
Other names: c.1574A>G, p.Lys525Arg (NM_001008844.3, NM_001319034.2); short protein forms K525R.
Identifiers: ClinVar variation 2008641 (VCV002008641.6), dbSNP rs1468286343, ClinGen allele CA362677890.

ClinVar aggregate classification (germline): Uncertain significance. Review status: criteria provided, multiple submitters, no conflicts (2 of 4 stars). 2 submissions from 2 submitters: Uncertain significance (2). Last evaluated 2023-02-27.

Conditions:
Arrhythmogenic cardiomyopathy with wooly hair and keratoderma. Also called: PALMOPLANTAR KERATODERMA WITH LEFT VENTRICULAR CARDIOMYOPATHY AND WOOLLY HAIR; Carvajal syndrome; Dilated cardiomyopathy with woolly hair and keratoderma; Arrhythmogenic cardiomyopathy with woolly hair and keratoderma. Identifiers: Orphanet 65282, MedGen C1854063, MONDO:0011581, OMIM 605676.
Arrhythmogenic right ventricular dysplasia 8 (ARVD8). Also called: ARRHYTHMOGENIC RIGHT VENTRICULAR DYSPLASIA, FAMILIAL, 8; Arrhythmogenic Right Ventricular Dysplasia/Cardiomyopathy 8; ARRHYTHMOGENIC RIGHT VENTRICULAR CARDIOMYOPATHY 8. Identifiers: MedGen C1843896, MONDO:0011831, OMIM 607450.
Cardiomyopathy (CMYO). Also called: Cardiomyopathies. Identifiers: Orphanet 167848, MedGen C0878544, MONDO:0004994, HP:0001638. Inheritance: Various modes of inheritance.

Allele frequency attached by ClinVar (database versions not stated): gnomAD 0.00001.
gnomAD v4.1: 5 of 1,614,076 alleles (0.00031%); highest among the groups gnomAD compares: Non-Finnish European, 0.00042%; no homozygotes.

Submissions (2):

Labcorp Genetics (formerly Invitae), Labcorp
Classification: Uncertain significance for Arrhythmogenic cardiomyopathy with wooly hair and keratoderma; Arrhythmogenic right ventricular dysplasia 8. Last evaluated: 2023-02-27. Review status: criteria provided, single submitter. Criteria: Invitae Variant Classification Sherloc (09022015). Collection method: clinical testing. Allele origin: germline.
Comment: In summary, the available evidence is currently insufficient to determine the role of this variant in disease. Therefore, it has been classified as a Variant of Uncertain Significance. An algorithm developed to predict the effect of missense changes on protein structure and function (PolyPhen-2) suggests that this variant is likely to be disruptive. ClinVar contains an entry for this variant (Variation ID: 2008641). This variant has not been reported in the literature in individuals affected with DSP-related conditions. This variant is not present in population databases (gnomAD no frequency). This sequence change replaces lysine, which is basic and polar, with arginine, which is basic and polar, at codon 525 of the DSP protein (p.Lys525Arg).

Color Diagnostics, LLC DBA Color Health
Classification: Uncertain significance for Cardiomyopathy. Last evaluated: 2022-09-19. Review status: criteria provided, single submitter. Criteria: ACMG Guidelines, 2015. Collection method: clinical testing. Allele origin: germline.
Comment: This missense variant replaces lysine with arginine at codon 525 of the DSP protein. Computational prediction suggests that this variant may not impact protein structure and function (internally defined REVEL score threshold <= 0.5, PMID: 27666373). To our knowledge, functional studies have not been reported for this variant. This variant has not been reported in individuals affected with cardiovascular disorders in the literature. This variant has not been identified in the general population by the Genome Aggregation Database (gnomAD). The available evidence is insufficient to determine the role of this variant in disease conclusively. Therefore, this variant is classified as a Variant of Uncertain Significance.